The following is an entry in ClinVar:

ClinVar aggregate classification (germline): Uncertain significance (1 of 4 stars; one submission).

Conditions:
Infantile spasms. Also called: Infantile spasm. Identifiers: MedGen C3887898, HP:0012469.

Allele frequency attached by ClinVar (database versions not stated): TOPMed below 0.00001; gnomAD 0.00001.
gnomAD v4.1: 1 of 1,613,948 alleles (0.000062%); highest among the groups gnomAD compares: African/African-American, 0.0013%; no homozygotes.

Submission:

Labcorp Genetics (formerly Invitae), Labcorp
Classification: Uncertain significance for Infantile spasms. Last evaluated: 2021-02-23. Review status: criteria provided, single submitter. Criteria: Invitae Variant Classification Sherloc (09022015). Collection method: clinical testing. Allele origin: germline.
Comment: Algorithms developed to predict the effect of missense changes on protein structure and function (SIFT, PolyPhen-2, Align-GVGD) all suggest that this variant is likely to be tolerated, but these predictions have not been confirmed by published functional studies and their clinical significance is uncertain. In summary, the available evidence is currently insufficient to determine the role of this variant in disease. Therefore, it has been classified as a Variant of Uncertain Significance. This variant has not been reported in the literature in individuals with PIK3AP1-related conditions. This sequence change replaces histidine with arginine at codon 684 of the PIK3AP1 protein (p.His684Arg). The histidine residue is moderately conserved and there is a small physicochemical difference between histidine and arginine. This variant is not present in population databases (ExAC no frequency).

NM_152309.3(PIK3AP1):c.2051A>G (p.His684Arg)

Gene: PIK3AP1 (phosphoinositide-3-kinase adaptor protein 1; minus strand). Cytogenetic location: 10q24.1.
Variant type: single nucleotide variant.
Coding change: c.2051A>G on transcript NM_152309.3 (MANE Select); coding-DNA position 2051, A replaced by G.
Protein change: p.His684Arg; replaces histidine 684 with arginine.
Molecular consequence: missense variant.
Genome position (GRCh38, 1-based): chr10:96,609,831, T>C on the plus strand (A>G on the coding strand, the complement: PIK3AP1 is on the minus strand). VCF-style: chr10-96609831-T-C. GRCh37 (hg19) VCF-style: chr10-98369588-T-C.
Other names: short protein forms H684R.
Identifiers: ClinVar variation 1513115 (VCV001513115.8), dbSNP rs1589484825, ClinGen allele CA377752807.